The following is an entry in ClinVar:

NM_001330078.2(NRXN1):c.772+1015C>A

Gene: NRXN1 (neurexin 1; minus strand). Cytogenetic location: 2p16.3.
Variant type: single nucleotide variant.
Coding change: c.772+1015C>A on transcript NM_001330078.2 (MANE Select); 1015 bases into the intron after coding-DNA position 772, C replaced by A.
Molecular consequence: intron variant.
Genome position (GRCh38, 1-based): chr2:51,026,487, G>T on the plus strand (C>A on the coding strand, the complement: NRXN1 is on the minus strand). VCF-style: chr2-51026487-G-T. GRCh37 (hg19) VCF-style: chr2-51253625-G-T.
Other names: c.772+1015C>A (NM_001330096.2, NM_001330087.2, NM_001330083.2 and 14 more transcripts); c.773-18C>A (NM_001135659.3).
Identifiers: ClinVar variation 378285 (VCV000378285.9), dbSNP rs200375396, ClinGen allele CA1655398.

ClinVar aggregate classification (germline): Benign/Likely benign. Review status: criteria provided, multiple submitters, no conflicts (2 of 4 stars). 3 submissions from 3 submitters: Benign (1); Likely benign (2). Last evaluated 2025-12-22.

Conditions:
Pitt-Hopkins-like syndrome 2 (PTHSL2). Identifiers: Orphanet 221150, Orphanet 600663, MedGen C3280479, MONDO:0013690, OMIM 614325.

Allele frequency attached by ClinVar (database versions not stated): TOPMed 0.00004; gnomAD 0.00005 and 0.00006; gnomAD exomes 0.00005; ExAC 0.00010.
gnomAD v4.1: 116 of 1,536,500 alleles (0.0075%); highest among the groups gnomAD compares: Non-Finnish European, 0.0099%; no homozygotes.

Submissions (3):

Labcorp Genetics (formerly Invitae), Labcorp
Classification: Likely benign for Pitt-Hopkins-like syndrome 2. Last evaluated: 2025-12-22. Review status: criteria provided, single submitter. Criteria: Invitae Variant Classification Sherloc (09022015). Collection method: clinical testing. Allele origin: germline.

Blueprint Genetics
Classification: Likely benign. Last evaluated: 2024-05-23. Review status: criteria provided, single submitter. Criteria: ACMG Guidelines, 2015. Collection method: clinical testing. Allele origin: germline.

GeneDx
Classification: Benign. Last evaluated: 2015-06-23. Review status: criteria provided, single submitter. Criteria: GeneDx Variant Classification (06012015). Collection method: clinical testing. Allele origin: germline. Affected: yes.
Comment: This variant is considered likely benign or benign based on one or more of the following criteria: it is a conservative change, it occurs at a poorly conserved position in the protein, it is predicted to be benign by multiple in silico algorithms, and/or has population frequency not consistent with disease.